The following is an entry in ClinVar:

NM_000179.3(MSH6):c.3721T>C (p.Cys1241Arg)

Gene: MSH6 (mutS homolog 6; plus strand). Cytogenetic location: 2p16.3.
Variant type: single nucleotide variant.
Coding change: c.3721T>C on transcript NM_000179.3 (MANE Select); coding-DNA position 3721, T replaced by C.
Protein change: p.Cys1241Arg; replaces cysteine 1241 with arginine.
Molecular consequence: missense variant.
Genome position (GRCh38, 1-based): chr2:47,806,278, T>C. VCF-style: chr2-47806278-T-C. GRCh37 (hg19) VCF-style: chr2-48033417-T-C.
Other names: c.3331T>C, p.Cys1111Arg (NM_001281492.2); c.2815T>C, p.Cys939Arg (NM_001281493.2, NM_001281494.2, NM_001406811.1 and 6 more transcripts); c.3817T>C, p.Cys1273Arg (NM_001406795.1, NM_001406802.1); c.3721T>C, p.Cys1241Arg (NM_001406796.1, NM_001406809.1, NM_001406800.1 and 1 more transcripts); c.3424T>C, p.Cys1142Arg (NM_001406797.1, NM_001406818.1, NM_001406830.1 and 10 more transcripts); c.3547T>C, p.Cys1183Arg (NM_001406798.1); c.3727T>C, p.Cys1243Arg (NM_001406813.1); c.2155T>C, p.Cys719Arg (NM_001406817.1); and 7 more; short protein forms C1066R, C1142R, C1215R, C1241R, C1243R, C939R, C1111R, C168R.
Identifiers: ClinVar variation 1734303 (VCV001734303.3), dbSNP rs2104541568, ClinGen allele CA346761021.

ClinVar aggregate classification (germline): Uncertain significance. Review status: criteria provided, multiple submitters, no conflicts (2 of 4 stars). 2 submissions from 2 submitters: Uncertain significance (2). Last evaluated 2025-03-17.

Conditions:
Hereditary cancer-predisposing syndrome. Also called: Neoplastic Syndromes, Hereditary; Tumor predisposition; Hereditary Cancer Syndrome; Hereditary neoplastic syndrome. Identifiers: Orphanet 140162, MedGen C0027672, MeSH D009386, MONDO:0015356.

Submissions (2):

Quest Diagnostics Nichols Institute San Juan Capistrano
Classification: Uncertain significance. Last evaluated: 2025-03-17. Review status: criteria provided, single submitter. Criteria: Quest Diagnostics criteria. Collection method: clinical testing. Allele origin: unknown.
Comment: The MSH6 c.3721T>C (p.Cys1241Arg) variant has not been reported in individuals with MSH6-related conditions in the published literature. It also has not been reported in large, multi-ethnic general populations (Genome Aggregation Database). Analysis of this variant using bioinformatics tools for the prediction of the effect of amino acid changes on protein structure and function yielded predictions that this variant is damaging. Based on the available information, we are unable to determine the clinical significance of this variant.

Ambry Genetics
Classification: Uncertain significance for Hereditary cancer-predisposing syndrome. Last evaluated: 2019-02-11. Review status: criteria provided, single submitter. Criteria: Ambry Variant Classification Scheme 2023. Collection method: clinical testing. Allele origin: germline.
Comment: The p.C1241R variant (also known as c.3721T>C), located in coding exon 8 of the MSH6 gene, results from a T to C substitution at nucleotide position 3721. The cysteine at codon 1241 is replaced by arginine, an amino acid with highly dissimilar properties. This amino acid position is highly conserved in available vertebrate species. In addition, this alteration is predicted to be deleterious by in silico analysis. Since supporting evidence is limited at this time, the clinical significance of this alteration remains unclear.